The following is an entry in ClinVar:

ClinVar aggregate classification (germline): Likely pathogenic. Review status: criteria provided, multiple submitters, no conflicts (2 of 4 stars). 3 submissions from 3 submitters: Likely pathogenic (3). Last evaluated 2026-02-23.

Conditions:
Renal tubulopathies.
SLC12A3-related disorder. Also called: SLC12A3-related condition.

Allele frequency attached by ClinVar (database versions not stated): TOPMed 0.00001; gnomAD 0.00002; gnomAD exomes 0.00004.
gnomAD v4.1: 53 of 1,612,680 alleles (0.0033%); highest among the groups gnomAD compares: Non-Finnish European, 0.0045%; no homozygotes.

Submissions (3):

Genetics Laboratory, Great Ormond Street Hospital NHS Foundation Trust, North Thames Genomic Laboratory Hub
Classification: Likely pathogenic for Renal tubulopathies. Last evaluated: 2026-02-23. Review status: criteria provided, single submitter. Criteria: ACGS Best Practice Guidelines for Variant Classification in Rare Disease 2024 v1.2. Collection method: clinical testing. Allele origin: germline. Affected: yes.
Comment: PM2_moderate, PP3_supporting, PM3_moderate, PP4_supporting

GeneDx
Classification: Likely pathogenic. Last evaluated: 2023-10-11. Review status: criteria provided, single submitter. Criteria: GeneDx Variant Classification Process June 2021. Collection method: clinical testing. Allele origin: germline. Affected: yes.
Comment: Not observed at significant frequency in large population cohorts (gnomAD); In silico analysis supports that this missense variant has a deleterious effect on gene splicing; This variant is associated with the following publications: (PMID: 23328711, 22009145, 18391953)

Blueprint Genetics
Classification: Likely pathogenic for SLC12A3-related disorders. Last evaluated: 2021-12-31. Review status: criteria provided, single submitter. Criteria: ACMG Guidelines, 2015. Collection method: clinical testing. Allele origin: germline. Affected: yes. Observed: 2 variant alleles.

NM_001126108.2(SLC12A3):c.497C>T (p.Ala166Val)

Gene: SLC12A3 (solute carrier family 12 member 3; plus strand). Cytogenetic location: 16q13.
Variant type: single nucleotide variant.
Coding change: c.497C>T on transcript NM_001126108.2 (MANE Select); coding-DNA position 497, C replaced by T.
Protein change: p.Ala166Val; replaces alanine 166 with valine.
Molecular consequence: missense variant.
Genome position (GRCh38, 1-based): chr16:56,868,364, C>T. VCF-style: chr16-56868364-C-T. GRCh37 (hg19) VCF-style: chr16-56902276-C-T.
Other names: c.497C>T, p.Ala166Val (NM_000339.3); c.494C>T, p.Ala165Val (NM_001126107.2, NM_001410896.1); short protein forms A165V, A166V.
Identifiers: ClinVar variation 3252869 (VCV003252869.3), dbSNP rs779683214.